The following is an entry in ClinVar:

ClinVar aggregate classification (germline): Uncertain significance (1 of 4 stars; one submission).

Conditions:
Inborn genetic diseases. Identifiers: MedGen C0950123, MeSH D030342.

gnomAD v4.1: 1 of 1,613,530 alleles (0.000062%); highest among the groups gnomAD compares: Non-Finnish European, 0.000085%; no homozygotes.

Submission:

Ambry Genetics
Classification: Uncertain significance for Inborn genetic diseases. Last evaluated: 2023-07-16. Review status: criteria provided, single submitter. Criteria: Ambry Variant Classification Scheme 2023. Collection method: clinical testing. Allele origin: germline.
Comment: The p.I842L variant (also known as c.2524A>T), located in coding exon 11 of the ATR gene, results from an A to T substitution at nucleotide position 2524. The isoleucine at codon 842 is replaced by leucine, an amino acid with highly similar properties. This amino acid position is conserved. In addition, this alteration is predicted to be tolerated by in silico analysis. Since supporting evidence is limited at this time, the clinical significance of this alteration remains unclear.

NM_001184.4(ATR):c.2524A>T (p.Ile842Leu)

Gene: ATR (ATR checkpoint kinase; minus strand). Cytogenetic location: 3q23.
Variant type: single nucleotide variant.
Coding change: c.2524A>T on transcript NM_001184.4 (MANE Select); coding-DNA position 2524, A replaced by T.
Protein change: p.Ile842Leu; replaces isoleucine 842 with leucine.
Molecular consequence: missense variant.
Genome position (GRCh38, 1-based): chr3:142,553,833, T>A on the plus strand (A>T on the coding strand, the complement: ATR is on the minus strand). VCF-style: chr3-142553833-T-A. GRCh37 (hg19) VCF-style: chr3-142272675-T-A.
Other names: c.2332A>T, p.Ile778Leu (NM_001354579.2); short protein forms I842L, I778L.
Identifiers: ClinVar variation 2587571 (VCV002587571.2), dbSNP rs2473385163, ClinGen allele CA354816074.
Genomic context (GRCh38, chr3:142,553,833, plus strand): 5'-TTTTAGAGCTAGGTTGACGTAAACTCAAATGTTAAAAACAAAAATTATCAACCTCCTTTA[T>A]AAATCCATCTTCAGAGTCCAAGGATTCCAATATGTGCTTGATATTTCCACTAAAAGCCAC-3'
Protein context (NP_001175.2, residues 832-852): LESLDSEDGF[Ile842Leu]KELFVLRMKE